The following is an entry in ClinVar:

ClinVar aggregate classification (germline): Pathogenic (1 of 4 stars; one submission).

Conditions:
Tay-Sachs disease (TSD). Also called: HEXA DEFICIENCY; HEXA Disorders; GM2 gangliosidosis, type 1; Hexosaminidase alpha-subunit deficiency (variant B); Sphingolipidosis, Tay-Sachs; Hexosaminidase A Deficiency. Identifiers: Orphanet 845, MedGen C0039373, MONDO:0010100, OMIM 272800.

Submission:

Labcorp Genetics (formerly Invitae), Labcorp
Classification: Pathogenic for Tay-Sachs disease. Last evaluated: 2022-10-11. Review status: criteria provided, single submitter. Criteria: Invitae Variant Classification Sherloc (09022015). Collection method: clinical testing. Allele origin: germline.
Comment: This variant disrupts a region of the HEXA protein in which other variant(s) (p.Trp420Cys) have been determined to be pathogenic (PMID: 2144098, 14566483; Invitae). This suggests that this is a clinically significant region of the protein, and that variants that disrupt it are likely to be disease-causing. For these reasons, this variant has been classified as Pathogenic. This variant is also known as c.806-58_1330+1del. This variant has not been reported in the literature in individuals affected with HEXA-related conditions. This variant results in the deletion of exons 8-10 and part of exon 11 (c.806-61_1328del) of the HEXA gene.

Literature cited by the submitters: PubMed 2144098; PubMed 14566483.

NC_000015.9:g.(?_72638867)_(72641658_?)del

Gene: HEXA (hexosaminidase subunit alpha; minus strand). Cytogenetic location: 15q23.
Variant type: Deletion.
Identifiers: ClinVar variation 2423192 (VCV002423192.4).